The following is an entry in ClinVar:

ClinVar aggregate classification (germline): Uncertain significance (1 of 4 stars; one submission).

Submission:

Women's Health and Genetics/Laboratory Corporation of America, LabCorp
Classification: Uncertain significance. Last evaluated: 2024-05-30. Review status: criteria provided, single submitter. Criteria: LabCorp Variant Classification Summary - May 2015. Collection method: clinical testing. Allele origin: germline.
Comment: Variant summary: CHST6 c.277C>T (p.Arg93Cys) results in a non-conservative amino acid change located in the Sulfotransferase domain (IPR000863) of the encoded protein sequence. Five of five in-silico tools predict a damaging effect of the variant on protein function. The variant allele was found at a frequency of 4e-06 in 249296 control chromosomes (gnomAD). The available data on variant occurrences in the general population are insufficient to allow any conclusion about variant significance. To our knowledge, no occurrence of c.277C>T in individuals affected with Macular Corneal Dystrophy and no experimental evidence demonstrating its impact on protein function have been reported. No submitters have cited clinical-significance assessments for this variant to ClinVar. Based on the evidence outlined above, the variant was classified as uncertain significance.

NM_021615.5(CHST6):c.277C>T (p.Arg93Cys)

Gene: CHST6 (carbohydrate sulfotransferase 6; minus strand). Cytogenetic location: 16q23.1.
Variant type: single nucleotide variant.
Coding change: c.277C>T on transcript NM_021615.5 (MANE Select); coding-DNA position 277, C replaced by T.
Protein change: p.Arg93Cys; replaces arginine 93 with cysteine.
Molecular consequence: missense variant.
Genome position (GRCh38, 1-based): chr16:75,479,552, G>A on the plus strand (C>T on the coding strand, the complement: CHST6 is on the minus strand). VCF-style: chr16-75479552-G-A. GRCh37 (hg19) VCF-style: chr16-75513450-G-A.
Other names: short protein forms R93C.
Identifiers: ClinVar variation 3335962 (VCV003335962.1).